The following is an entry in ClinVar:

NM_001195129.2(PRSS56):c.259C>G (p.Pro87Ala)

Gene: PRSS56 (serine protease 56; plus strand). Cytogenetic location: 2q37.1.
Variant type: single nucleotide variant.
Coding change: c.259C>G on transcript NM_001195129.2 (MANE Select); coding-DNA position 259, C replaced by G.
Protein change: p.Pro87Ala; replaces proline 87 with alanine.
Molecular consequence: missense variant.
Genome position (GRCh38, 1-based): chr2:232,521,973, C>G. VCF-style: chr2-232521973-C-G. GRCh37 (hg19) VCF-style: chr2-233386683-C-G.
Other names: c.259C>G, p.Pro87Ala (NM_001369848.1); c.259C>G (NM_001195129.1); short protein forms P87A.
Identifiers: ClinVar variation 1397321 (VCV001397321.9), dbSNP rs547205012, ClinGen allele CA2167702.

ClinVar aggregate classification (germline): Uncertain significance. Review status: criteria provided, multiple submitters, no conflicts (2 of 4 stars). 2 submissions from 2 submitters: Uncertain significance (2). Last evaluated 2024-10-16.

Conditions:
Isolated microphthalmia 6. Also called: MICROPHTHALMIA, POSTERIOR NONSYNDROMIC. Identifiers: Orphanet 2542, MedGen C3150757, MONDO:0013293, OMIM 613517.
Inborn genetic diseases. Identifiers: MedGen C0950123, MeSH D030342.

Allele frequency attached by ClinVar (database versions not stated): gnomAD 0.00022 and 0.00024; TOPMed 0.00027; ExAC 0.00043; gnomAD exomes 0.00044.
gnomAD v4.1: 489 of 1,472,830 alleles (0.033%); highest among the groups gnomAD compares: Non-Finnish European, 0.04%; 1 homozygote.

Submissions (2):

Labcorp Genetics (formerly Invitae), Labcorp
Classification: Uncertain significance for Isolated microphthalmia 6. Last evaluated: 2024-10-16. Review status: criteria provided, single submitter. Criteria: Invitae Variant Classification Sherloc (09022015). Collection method: clinical testing. Allele origin: germline.
Comment: This sequence change replaces proline, which is neutral and non-polar, with alanine, which is neutral and non-polar, at codon 87 of the PRSS56 protein (p.Pro87Ala). This variant is present in population databases (rs547205012, gnomAD 0.08%). This variant has not been reported in the literature in individuals affected with PRSS56-related conditions. ClinVar contains an entry for this variant (Variation ID: 1397321). Experimental studies and prediction algorithms are not available or were not evaluated, and the functional significance of this variant is currently unknown. In summary, the available evidence is currently insufficient to determine the role of this variant in disease. Therefore, it has been classified as a Variant of Uncertain Significance.

Ambry Genetics
Classification: Uncertain significance for Inborn genetic diseases. Last evaluated: 2024-03-04. Review status: criteria provided, single submitter. Criteria: Ambry Variant Classification Scheme 2023. Collection method: clinical testing. Allele origin: germline.